The following is an entry in ClinVar:

NM_020442.6(VARS2):c.1468C>T (p.Arg490Ter)

Gene: VARS2 (valyl-tRNA synthetase 2, mitochondrial; plus strand). Cytogenetic location: 6p21.33.
Variant type: single nucleotide variant.
Coding change: c.1468C>T on transcript NM_020442.6 (MANE Select); coding-DNA position 1468, C replaced by T.
Protein change: p.Arg490Ter; replaces arginine 490 with a stop codon.
Molecular consequence: nonsense.
Genome position (GRCh38, 1-based): chr6:30,920,738, C>T. VCF-style: chr6-30920738-C-T. GRCh37 (hg19) VCF-style: chr6-30888515-C-T.
Other names: c.1048C>T, p.Arg350Ter (NM_001167733.3); c.1558C>T, p.Arg520Ter (NM_001167734.2); c.1558C>T (NM_001167734.1); short protein forms R490*, R520*, R350*.
Identifiers: ClinVar variation 597373 (VCV000597373.8), dbSNP rs778868393, ClinGen allele CA3705913.
Genomic context (GRCh38, chr6:30,920,738, plus strand): 5'-GATGTGATAGAATACCTGCTGAAGAACCAGTGGTTTGTCCGCTGCCAGGAAATGGGGGCC[C>T]GAGCTGCCAAGGTGAGGCTGCAGTGTAGGAAGGACTGGGGCCAGGGGTTGGGGGAGCTCC-3'

ClinVar aggregate classification (germline): Conflicting classifications of pathogenicity. Review status: criteria provided, conflicting classifications (1 of 4 stars). 3 submissions from 3 submitters: Pathogenic (1); Likely pathogenic (1); Uncertain significance (1). Last evaluated 2024-12-23.

Conditions:
VARS2-related disorder. Also called: VARS2-related disorders; VARS2-related condition.

Allele frequency attached by ClinVar (database versions not stated): gnomAD 0.00001; TOPMed 0.00002; ExAC 0.00004.

Submissions (3):

Labcorp Genetics (formerly Invitae), Labcorp
Classification: Pathogenic. Last evaluated: 2024-12-23. Review status: criteria provided, single submitter. Criteria: Invitae Variant Classification Sherloc (09022015). Collection method: clinical testing. Allele origin: germline.
Comment: This sequence change creates a premature translational stop signal (p.Arg520*) in the VARS2 gene. It is expected to result in an absent or disrupted protein product. Loss-of-function variants in VARS2 are known to be pathogenic (PMID: 29313548). The frequency data for this variant in the population databases is considered unreliable, as metrics indicate poor data quality at this position in the gnomAD database. This variant has not been reported in the literature in individuals affected with VARS2-related conditions. ClinVar contains an entry for this variant (Variation ID: 597373). For these reasons, this variant has been classified as Pathogenic.

Eurofins Ntd Llc (ga)
Classification: Uncertain significance. Last evaluated: 2018-05-31. Review status: criteria provided, single submitter. Criteria: EGL ClinVar v180209 classification definitions. Collection method: clinical testing. Allele origin: germline. Observed: 1 variant allele, 1 heterozygote.

Rady Children's Institute for Genomic Medicine, Rady Children's Hospital San Diego
Classification: Likely pathogenic for VARS2-related disorders. Review status: criteria provided, single submitter. Criteria: ACMG Guidelines, 2015. Collection method: clinical testing. Allele origin: germline. Affected: yes.
Comment: This nonsense variant found in exon 15 of 30 is predicted to result in loss of normal protein function through either protein truncation or nonsense-mediated mRNA decay (NMD). This variant has not been previously reported or functionally characterized in the literature to our knowledge. It is present in the heterozygous state in the gnomAD population database at a frequency of 0.002% (4/218236), and thus is presumed to be rare. Based on the available evidence, the c.1558C>T (p.Arg520Ter) variant is classified as Likely Pathogenic.

Literature cited by the submitters: PubMed 29313548 (cited by Labcorp Genetics (formerly Invitae), Labcorp).